The following is an entry in ClinVar:

NM_017882.3(CLN6):c.119C>T (p.Thr40Met)

Gene: CLN6 (CLN6 transmembrane ER protein; minus strand). Cytogenetic location: 15q23.
Variant type: single nucleotide variant.
Coding change: c.119C>T on transcript NM_017882.3 (MANE Select); coding-DNA position 119, C replaced by T.
Protein change: p.Thr40Met; replaces threonine 40 with methionine.
Molecular consequence: missense variant.
Genome position (GRCh38, 1-based): chr15:68,218,615, G>A on the plus strand (C>T on the coding strand, the complement: CLN6 is on the minus strand). VCF-style: chr15-68218615-G-A. GRCh37 (hg19) VCF-style: chr15-68510953-G-A.
Other names: short protein forms T40M.
Identifiers: ClinVar variation 373196 (VCV000373196.12), dbSNP rs769199442, ClinGen allele CA7630707.

ClinVar aggregate classification (germline): Uncertain significance. Review status: criteria provided, multiple submitters, no conflicts (2 of 4 stars). 5 submissions from 5 submitters: Uncertain significance (5). Last evaluated 2026-02-01.

Conditions:
Inborn genetic diseases. Identifiers: MedGen C0950123, MeSH D030342.
Neuronal ceroid lipofuscinosis. Also called: Neuronal Ceroid Lipofuscinoses. Identifiers: Orphanet 216, Orphanet 79263, MedGen C0027877, MONDO:0016295. Disease mechanism: loss of function.

Allele frequency attached by ClinVar (database versions not stated): TOPMed 0.00003.
gnomAD v4.1: 21 of 1,613,716 alleles (0.0013%); highest among the groups gnomAD compares: Admixed American, 0.017%; no homozygotes.

Submissions (5):

Labcorp Genetics (formerly Invitae), Labcorp
Classification: Uncertain significance for Neuronal ceroid lipofuscinosis. Last evaluated: 2026-02-01. Review status: criteria provided, single submitter. Criteria: Invitae Variant Classification Sherloc (09022015). Collection method: clinical testing. Allele origin: germline.
Comment: This sequence change replaces threonine, which is neutral and polar, with methionine, which is neutral and non-polar, at codon 40 of the CLN6 protein (p.Thr40Met). This variant is present in population databases (rs769199442, gnomAD 0.02%). This variant has not been reported in the literature in individuals affected with CLN6-related conditions. ClinVar contains an entry for this variant (Variation ID: 373196). Invitae Evidence Modeling of protein sequence and biophysical properties (such as structural, functional, and spatial information, amino acid conservation, physicochemical variation, residue mobility, and thermodynamic stability) indicates that this missense variant is not expected to disrupt CLN6 protein function with a negative predictive value of 80%. In summary, the available evidence is currently insufficient to determine the role of this variant in disease. Therefore, it has been classified as a Variant of Uncertain Significance.

Blueprint Genetics
Classification: Uncertain significance. Last evaluated: 2023-10-12. Review status: criteria provided, single submitter. Criteria: ACMG Guidelines, 2015. Collection method: clinical testing. Allele origin: germline.

Ambry Genetics
Classification: Uncertain significance for Inborn genetic diseases. Last evaluated: 2022-05-06. Review status: criteria provided, single submitter. Criteria: Ambry Variant Classification Scheme 2023. Collection method: clinical testing. Allele origin: germline.

Revvity Omics, Revvity
Classification: Uncertain significance. Last evaluated: 2021-10-13. Review status: criteria provided, single submitter. Criteria: ACMG Guidelines, 2015. Collection method: clinical testing. Allele origin: germline.

GeneDx
Classification: Uncertain significance. Last evaluated: 2016-11-10. Review status: criteria provided, single submitter. Criteria: GeneDx Variant Classification (06012015). Collection method: clinical testing. Allele origin: germline. Affected: yes.
Comment: A variant of uncertain significance has been identified in the CLN6 gene. The T40M variant has not been published as a pathogenic variant, nor has it been reported as a benign variant to our knowledge. It was not observed in approximately 6,500 individuals of European and African American ancestry in the NHLBI Exome Sequencing Project, indicating it is not a common benign variant in these populations. The T40M variant is a non-conservative amino acid substitution, which is likely to impact secondary protein structure as these residues differ in polarity, charge, size and/or other properties. Additionally, in silico analysis predicts this variant is probably damaging to the protein structure/function. However, this substitution occurs at a position that is not conserved. Therefore, based on the currently available information, it is unclear whether this variant is a pathogenic variant or a rare benign variant.